The following is an entry in ClinVar:

ClinVar aggregate classification (germline): Conflicting classifications of pathogenicity. Review status: criteria provided, conflicting classifications (1 of 4 stars). 7 submissions from 7 submitters: Likely pathogenic (3); Uncertain significance (2). 2 of the submissions do not count toward it. Last evaluated 2026-04-30.

Conditions:
Glycogen storage disease, type V (GSD5). Also called: McArdle type glycogen storage disease; MCARDLE DISEASE; MUSCLE GLYCOGEN PHOSPHORYLASE DEFICIENCY; MYOPHOSPHORYLASE DEFICIENCY; PYGM DEFICIENCY. Identifiers: Orphanet 368, MedGen C0017924, MONDO:0009293, OMIM 232600.

Allele frequency attached by ClinVar (database versions not stated): gnomAD 0.00001; gnomAD exomes 0.00001; TOPMed 0.00002; ExAC 0.00003.
gnomAD v4.1: 13 of 1,594,662 alleles (0.00082%); highest among the groups gnomAD compares: Admixed American, 0.0035%; no homozygotes.

Submissions (7):

Myriad Genetics, Inc.
Classification: Uncertain significance for Glycogen storage disease, type V. Last evaluated: 2026-04-30. Review status: criteria provided, single submitter. Criteria: Myriad Autosomal Dominant, Autosomal Recessive and X-Linked Classification Criteria (2023). Collection method: clinical testing. Allele origin: unknown.
Comment: NM_005609.2(PYGM):c.1193C>T(P398L) is a missense variant classified as a variant of uncertain significance in the context of glycogen storage disease, PYGM-related. P398L has been observed in a case with relevant disease (PMID: 21880526). Relevant functional assessments of this variant are not available in the literature. P398L has been observed in referenced population frequency databases. In summary, there is insufficient evidence to classify NM_005609.2(PYGM):c.1193C>T(P398L) as pathogenic or benign. Please note: this variant was assessed in the context of healthy population screening.

Labcorp Genetics (formerly Invitae), Labcorp
Classification: Likely pathogenic for Glycogen storage disease, type V. Last evaluated: 2026-01-04. Review status: criteria provided, single submitter. Criteria: Invitae Variant Classification Sherloc (09022015). Collection method: clinical testing. Allele origin: germline.
Comment: This sequence change replaces proline, which is neutral and non-polar, with leucine, which is neutral and non-polar, at codon 398 of the PYGM protein (p.Pro398Leu). The frequency data for this variant in the population databases is considered unreliable, as metrics indicate poor data quality at this position in the gnomAD database. This missense change has been observed in individual(s) with glycogen storage disease (PMID: 21880526; internal data). ClinVar contains an entry for this variant (Variation ID: 552430). Invitae Evidence Modeling of protein sequence and biophysical properties (such as structural, functional, and spatial information, amino acid conservation, physicochemical variation, residue mobility, and thermodynamic stability) indicates that this missense variant is expected to disrupt PYGM protein function with a positive predictive value of 95%. In summary, the currently available evidence indicates that the variant is pathogenic, but additional data are needed to prove that conclusively. Therefore, this variant has been classified as Likely Pathogenic.

Fulgent Genetics
Classification: Likely pathogenic for Glycogen storage disease, type V. Last evaluated: 2024-04-10. Review status: criteria provided, single submitter. Criteria: ACMG Guidelines, 2015. Collection method: clinical testing. Allele origin: germline.

Baylor Genetics
Classification: Likely pathogenic for Glycogen storage disease, type V. Last evaluated: 2024-02-17. Review status: criteria provided, single submitter. Criteria: ACMG Guidelines, 2015. Collection method: clinical testing. Allele origin: unknown.

Revvity Omics, Revvity
Classification: Uncertain significance for Glycogen storage disease, type V. Last evaluated: 2020-10-05. Review status: criteria provided, single submitter. Criteria: ACMG Guidelines, 2015. Collection method: clinical testing. Allele origin: germline.

Natera, Inc.
Classification: Uncertain significance for Glycogen storage disease V. Last evaluated: 2020-01-22. Review status: no assertion criteria provided. Collection method: clinical testing. Allele origin: germline. Not counted in ClinVar's aggregate classification.

Counsyl
Classification: Uncertain significance for Glycogen storage disease, type V. Last evaluated: 2017-06-09. Review status: no assertion criteria provided. Collection method: clinical testing. Allele origin: unknown. Not counted in ClinVar's aggregate classification.

Literature cited by the submitters: PubMed 21880526 (cited by 3 submitters).

NM_005609.4(PYGM):c.1193C>T (p.Pro398Leu)

Gene: PYGM (glycogen phosphorylase, muscle associated; minus strand). Cytogenetic location: 11q13.1.
Variant type: single nucleotide variant.
Coding change: c.1193C>T on transcript NM_005609.4 (MANE Select); coding-DNA position 1193, C replaced by T.
Protein change: p.Pro398Leu; replaces proline 398 with leucine.
Molecular consequence: missense variant.
Genome position (GRCh38, 1-based): chr11:64,753,925, G>A on the plus strand (C>T on the coding strand, the complement: PYGM is on the minus strand). VCF-style: chr11-64753925-G-A. GRCh37 (hg19) VCF-style: chr11-64521397-G-A.
Other names: c.929C>T, p.Pro310Leu (NM_001164716.1); short protein forms P398L, P310L.
Identifiers: ClinVar variation 552430 (VCV000552430.20), dbSNP rs773204705, ClinGen allele CA6079975.